The following is an entry in ClinVar:

NM_002063.4(GLRA2):c.1221C>G (p.Ile407Met)

Genes: FANCB (FA complementation group B; minus strand), GLRA2 (glycine receptor alpha 2; plus strand). Cytogenetic location: Xp22.2.
Variant type: single nucleotide variant.
Coding change: c.1221C>G on transcript NM_002063.4 (MANE Select); coding-DNA position 1221, C replaced by G.
Protein change: p.Ile407Met; replaces isoleucine 407 with methionine.
Molecular consequence: missense variant.
Genome position (GRCh38, 1-based): chrX:14,730,347, C>G. VCF-style: chrX-14730347-C-G. GRCh37 (hg19) VCF-style: chrX-14748469-C-G.
Other names: c.1221C>G, p.Ile407Met (NM_001118885.2, NM_001118886.2); c.954C>G, p.Ile318Met (NM_001171942.2); short protein forms I318M, I407M.
Identifiers: ClinVar variation 2635551 (VCV002635551.2), dbSNP rs2518815049, ClinGen allele CA412436108.

ClinVar aggregate classification (germline): Uncertain significance (1 of 4 stars; one submission).

Conditions:
GLRA2-related disorder. Also called: GLRA2-related condition.

Submission:

PreventionGenetics, part of Exact Sciences
Classification: Uncertain significance for GLRA2-related condition. Last evaluated: 2025-07-25. Review status: criteria provided, single submitter. Criteria: ACMG Guidelines, 2015. Collection method: clinical testing. Allele origin: germline.
Comment: The GLRA2 c.1221C>G variant is predicted to result in the amino acid substitution p.Ile407Met. To our knowledge, this variant has not been reported in the literature or in a large population database (gnomAD), indicating this variant is rare. At this time, the clinical significance of this variant is uncertain due to the absence of conclusive functional and genetic evidence.